The following is an entry in ClinVar:

NM_170707.4(LMNA):c.758_810+70del

Gene: LMNA (lamin A/C; plus strand). Cytogenetic location: 1q22.
Variant type: Deletion.
Coding change: c.758_810+70del on transcript NM_170707.4 (MANE Select); coding-DNA position 758 through 70 bases into the intron after coding-DNA position 810, 123 bases deleted.
Molecular consequence: splice donor variant.
Genome position (GRCh38, 1-based): chr1:156,134,923-156,135,045, 123 bases deleted. GRCh37 (hg19): chr1:156,104,714-156,104,836.
Other names: c.515_567+70del (NM_001406987.1, NM_001282624.2, NM_001406986.1); c.422_474+70del (NM_001406989.1, NM_001257374.3, NM_001406998.1); c.461_513+70del (NM_001406988.1); c.200_252+70del (NM_001406997.1, NM_001407002.1, NM_001406993.1 and 4 more transcripts); c.758_810+70del (NM_001406983.1, NM_001282625.2, NM_001406984.1 and 6 more transcripts); c.94_146+70del (NM_001406999.1, NM_001407000.1, NM_001406994.1 and 1 more transcripts).
Identifiers: ClinVar variation 2852101 (VCV002852101.3), dbSNP rs2527974458, ClinGen allele CA2739275313.

ClinVar aggregate classification (germline): Pathogenic (1 of 4 stars; one submission).

Conditions:
Charcot-Marie-Tooth disease type 2. Also called: Charcot-Marie-Tooth type 2. Identifiers: Orphanet 64746, MedGen C0270914, MONDO:0018993.

Submission:

Labcorp Genetics (formerly Invitae), Labcorp
Classification: Pathogenic for Charcot-Marie-Tooth disease type 2. Last evaluated: 2023-04-04. Review status: criteria provided, single submitter. Criteria: Invitae Variant Classification Sherloc (09022015). Collection method: clinical testing. Allele origin: germline.
Comment: This variant disrupts a region of the LMNA protein in which other variant(s) (p.Lys261del) have been determined to be pathogenic (PMID: 10908904, 10939567, 11503164, 22068161). This suggests that this is a clinically significant region of the protein, and that variants that disrupt it are likely to be disease-causing. For these reasons, this variant has been classified as Pathogenic. This variant has not been reported in the literature in individuals affected with LMNA-related conditions. This variant results in the deletion of part of exon 4 (c.758_810+70del) of the LMNA gene. It is expected to disrupt RNA splicing. Variants that disrupt the donor or acceptor splice site typically lead to a loss of protein function (PMID: 16199547), and loss-of-function variants in LMNA are known to be pathogenic (PMID: 18585512, 18926329).

Literature cited by the submitters: PubMed 10908904; PubMed 10939567; PubMed 11503164; PubMed 22068161; PubMed 16199547; PubMed 18585512; PubMed 18926329.